The following is an entry in ClinVar:

NM_006231.4(POLE):c.4986G>C (p.Glu1662Asp)

Gene: POLE (DNA polymerase epsilon, catalytic subunit; minus strand). Cytogenetic location: 12q24.33.
Variant type: single nucleotide variant.
Coding change: c.4986G>C on transcript NM_006231.4 (MANE Select); coding-DNA position 4986, G replaced by C.
Protein change: p.Glu1662Asp; replaces glutamic acid 1662 with aspartic acid.
Molecular consequence: missense variant.
Genome position (GRCh38, 1-based): chr12:132,642,364, C>G on the plus strand (G>C on the coding strand, the complement: POLE is on the minus strand). VCF-style: chr12-132642364-C-G. GRCh37 (hg19) VCF-style: chr12-133218950-C-G.
Other names: short protein forms E1662D.
Identifiers: ClinVar variation 2726094 (VCV002726094.3), dbSNP rs2541884584, ClinGen allele CA387377538.

ClinVar aggregate classification (germline): Uncertain significance (1 of 4 stars; one submission).

Submission:

Labcorp Genetics (formerly Invitae), Labcorp
Classification: Uncertain significance. Last evaluated: 2023-06-23. Review status: criteria provided, single submitter. Criteria: Invitae Variant Classification Sherloc (09022015). Collection method: clinical testing. Allele origin: germline.
Comment: This sequence change replaces glutamic acid, which is acidic and polar, with aspartic acid, which is acidic and polar, at codon 1662 of the POLE protein (p.Glu1662Asp). This variant is not present in population databases (gnomAD no frequency). This variant has not been reported in the literature in individuals affected with POLE-related conditions. Advanced modeling of protein sequence and biophysical properties (such as structural, functional, and spatial information, amino acid conservation, physicochemical variation, residue mobility, and thermodynamic stability) performed at Invitae indicates that this missense variant is not expected to disrupt POLE protein function. In summary, the available evidence is currently insufficient to determine the role of this variant in disease. Therefore, it has been classified as a Variant of Uncertain Significance.